The following is an entry in ClinVar:

NM_004655.4(AXIN2):c.1090C>A (p.Pro364Thr)

Gene: AXIN2 (axin 2; minus strand). Cytogenetic location: 17q24.1.
Variant type: single nucleotide variant.
Coding change: c.1090C>A on transcript NM_004655.4 (MANE Select); coding-DNA position 1090, C replaced by A.
Protein change: p.Pro364Thr; replaces proline 364 with threonine.
Molecular consequence: missense variant.
Genome position (GRCh38, 1-based): chr17:65,538,313, G>T on the plus strand (C>A on the coding strand, the complement: AXIN2 is on the minus strand). VCF-style: chr17-65538313-G-T. GRCh37 (hg19) VCF-style: chr17-63534431-G-T.
Other names: c.1090C>A, p.Pro364Thr (NM_001363813.1); short protein forms P364T.
Identifiers: ClinVar variation 3335453 (VCV003335453.1).

ClinVar aggregate classification (germline): Uncertain significance (1 of 4 stars; one submission).

Conditions:
Hereditary cancer-predisposing syndrome. Also called: Neoplastic Syndromes, Hereditary; Tumor predisposition; Hereditary neoplastic syndrome; Hereditary Cancer Syndrome. Identifiers: Orphanet 140162, MedGen C0027672, MeSH D009386, MONDO:0015356.

Submission:

Ambry Genetics
Classification: Uncertain significance for Hereditary cancer-predisposing syndrome. Last evaluated: 2024-03-25. Review status: criteria provided, single submitter. Criteria: Ambry Variant Classification Scheme 2023. Collection method: clinical testing. Allele origin: germline.
Comment: The p.P364T variant (also known as c.1090C>A), located in coding exon 4 of the AXIN2 gene, results from a C to A substitution at nucleotide position 1090. The proline at codon 364 is replaced by threonine, an amino acid with highly similar properties. This amino acid position is conserved. In addition, this alteration is predicted to be deleterious by in silico analysis. Based on the available evidence, the clinical significance of this alteration remains unclear.